The following is an entry in ClinVar:

NM_007294.4(BRCA1):c.3825del (p.Leu1276fs)

Genes: BRCA1 (BRCA1 DNA repair associated; minus strand), LOC126862571 (BRD4-independent group 4 enhancer GRCh37_chr17:41243136-41244335; plus strand). Cytogenetic location: 17q21.31.
Variant type: Deletion.
Coding change: c.3825del on transcript NM_007294.4 (MANE Select); coding-DNA position 3825, one base deleted (A; older notation c.3825delA).
Protein change: p.Leu1276fs; shifts the reading frame from leucine 1276.
Molecular consequence: frameshift variant. On other transcripts: intron variant (135).
Genome position (GRCh38, 1-based): chr17:43,091,706, T deleted on the plus strand (A on the coding strand, the reverse complement: BRCA1 is on the minus strand). VCF-style (leftmost placement, unchanged base first): chr17-43091705-AT-A. GRCh37 (hg19) VCF-style: chr17-41243722-AT-A.
Other names: c.710-674del (NM_001408414.1, NM_001408411.1, NM_001408415.1 and 2 more transcripts); c.578-674del (NM_001408514.1, NM_001408485.1, NM_001408483.1 and 9 more transcripts); c.662-674del (NM_001408447.1, NM_001408433.1, NM_001408446.1 and 6 more transcripts); c.785-674del (NM_001408400.1, NM_001408392.1, NM_001407986.1 and 13 more transcripts); c.665-674del (NM_001408441.1, NM_001408437.1, NM_001408429.1 and 12 more transcripts); c.788-674del (NM_001407979.1, NM_001407977.1, NM_001407982.1 and 17 more transcripts); c.647-674del (NM_001408410.1, NM_001408458.1, NM_001408469.1 and 11 more transcripts); c.3612del, p.Leu1205fs (NM_001407571.1, NM_001407853.1, NM_001407894.1 and 9 more transcripts); and 41 more; short protein forms L1229fs, L1276fs, L1165fs, L1187fs, L1208fs, L1209fs, L1234fs, L1275fs.
Identifiers: ClinVar variation 462622 (VCV000462622.10), dbSNP rs1555586983, ClinGen allele CA658656677.
Genomic context (GRCh38, chr17:43,091,705, plus strand): 5'-ACAAGCTAGCAGAACATTTTGTTTCCTCACTAAGGTGATGTTCCTGAGATGCCTTTGCCA[AT>A]ATTACCTGGTTACTGCAGTCATTTAAGCTATTCTTCAATGATAATAAATTCTCCTCTGTG-3'

ClinVar aggregate classification (germline): Pathogenic. Review status: criteria provided, multiple submitters, no conflicts (2 of 4 stars). 2 submissions from 2 submitters: Pathogenic (2). Last evaluated 2022-02-19.

Conditions:
Hereditary cancer-predisposing syndrome. Also called: Neoplastic Syndromes, Hereditary; Hereditary Cancer Syndrome; Hereditary neoplastic syndrome; Tumor predisposition. Identifiers: Orphanet 140162, MedGen C0027672, MeSH D009386, MONDO:0015356.
Hereditary breast ovarian cancer syndrome. Also called: Hereditary breast and ovarian cancer syndrome (HBOC); Hereditary breast and ovarian cancer syndrome; Breast and ovarian cancer; Hereditary breast and/or ovarian cancer syndrome; Hereditary breast and ovarian cancer; BRCA1- and BRCA2-Associated Hereditary Breast and Ovarian Cancer. Identifiers: Orphanet 145, MedGen C0677776, MeSH D061325, MONDO:0003582. Disease mechanism: loss of function.

Submissions (2):

Labcorp Genetics (formerly Invitae), Labcorp
Classification: Pathogenic for Hereditary breast ovarian cancer syndrome. Last evaluated: 2022-02-19. Review status: criteria provided, single submitter. Criteria: Invitae Variant Classification Sherloc (09022015). Collection method: clinical testing. Allele origin: germline.
Comment: This variant has not been reported in the literature in individuals affected with BRCA1-related conditions. For these reasons, this variant has been classified as Pathogenic. ClinVar contains an entry for this variant (Variation ID: 462622). This variant is not present in population databases (gnomAD no frequency). This sequence change creates a premature translational stop signal (p.Leu1276Trpfs*31) in the BRCA1 gene. It is expected to result in an absent or disrupted protein product. Loss-of-function variants in BRCA1 are known to be pathogenic (PMID: 20104584).

Ambry Genetics
Classification: Pathogenic for Hereditary cancer-predisposing syndrome. Last evaluated: 2019-10-08. Review status: criteria provided, single submitter. Criteria: Ambry Variant Classification Scheme 2023. Collection method: clinical testing. Allele origin: germline.
Comment: The c.3825delA pathogenic mutation, located in coding exon 9 of the BRCA1 gene, results from a deletion of one nucleotide at nucleotide position 3825, causing a translational frameshift with a predicted alternate stop codon (p.L1276Wfs*31). This alteration is expected to result in loss of function by premature protein truncation or nonsense-mediated mRNA decay. As such, this alteration is interpreted as a disease-causing mutation.

Literature cited by the submitters: PubMed 20104584 (cited by Labcorp Genetics (formerly Invitae), Labcorp).